The following is an entry in ClinVar:

NM_080911.3(UNG):c.521C>T (p.Pro174Leu)

Gene: UNG (uracil DNA glycosylase; plus strand). Cytogenetic location: 12q24.11.
Variant type: single nucleotide variant.
Coding change: c.521C>T on transcript NM_080911.3 (MANE Select); coding-DNA position 521, C replaced by T.
Protein change: p.Pro174Leu; replaces proline 174 with leucine.
Molecular consequence: missense variant.
Genome position (GRCh38, 1-based): chr12:109,101,987, C>T. VCF-style: chr12-109101987-C-T. GRCh37 (hg19) VCF-style: chr12-109539792-C-T.
Other names: c.494C>T, p.Pro165Leu (NM_003362.4); short protein forms P174L, P165L.
Identifiers: ClinVar variation 2050480 (VCV002050480.5), dbSNP rs370772651, ClinGen allele CA6772648.

ClinVar aggregate classification (germline): Uncertain significance. Review status: criteria provided, multiple submitters, no conflicts (2 of 4 stars). 3 submissions from 3 submitters: Uncertain significance (3). Last evaluated 2025-04-25.

Conditions:
Hyper-IgM syndrome type 5 (HIGM5). Also called: Hyper-IgM Immunodeficiency Syndrome, Type 5. Identifiers: Orphanet 101092, MedGen C1720958, MONDO:0011971, OMIM 608106.

Allele frequency attached by ClinVar (database versions not stated): ExAC 0.00001; gnomAD 0.00004; gnomAD exomes 0.00005; TOPMed 0.00006; ESP Exome Variant Server 0.00008.
gnomAD v4.1: 83 of 1,613,788 alleles (0.0051%); highest among the groups gnomAD compares: Middle Eastern, 0.017%; no homozygotes.

Submissions (3):

Ambry Genetics
Classification: Uncertain significance. Last evaluated: 2025-04-25. Review status: criteria provided, single submitter. Criteria: Ambry Variant Classification Scheme 2023. Collection method: clinical testing. Allele origin: germline.

Labcorp Genetics (formerly Invitae), Labcorp
Classification: Uncertain significance for Hyper-IgM syndrome type 5. Last evaluated: 2024-09-29. Review status: criteria provided, single submitter. Criteria: Invitae Variant Classification Sherloc (09022015). Collection method: clinical testing. Allele origin: germline.
Comment: This sequence change replaces proline, which is neutral and non-polar, with leucine, which is neutral and non-polar, at codon 174 of the UNG protein (p.Pro174Leu). This variant is present in population databases (rs370772651, gnomAD 0.009%). This variant has not been reported in the literature in individuals affected with UNG-related conditions. ClinVar contains an entry for this variant (Variation ID: 2050480). Invitae Evidence Modeling of protein sequence and biophysical properties (such as structural, functional, and spatial information, amino acid conservation, physicochemical variation, residue mobility, and thermodynamic stability) indicates that this missense variant is not expected to disrupt UNG protein function with a negative predictive value of 80%. Algorithms developed to predict the effect of sequence changes on RNA splicing suggest that this variant may disrupt the consensus splice site. In summary, the available evidence is currently insufficient to determine the role of this variant in disease. Therefore, it has been classified as a Variant of Uncertain Significance.

Blueprint Genetics
Classification: Uncertain significance. Last evaluated: 2023-12-01. Review status: criteria provided, single submitter. Criteria: ACMG Guidelines, 2015. Collection method: clinical testing. Allele origin: germline.